The following is an entry in ClinVar:

ClinVar aggregate classification (germline): Uncertain significance. Review status: criteria provided, multiple submitters, no conflicts (2 of 4 stars). 2 submissions from 2 submitters: Uncertain significance (2). Last evaluated 2025-04-11.

Conditions:
Myopathy, proximal, and ophthalmoplegia (CMYO6). Also called: INCLUSION BODY MYOPATHY 3, AUTOSOMAL DOMINANT; MYOPATHY WITH CONGENITAL JOINT CONTRACTURES, OPHTHALMOPLEGIA, AND RIMMED VACUOLES; CONGENITAL MYOPATHY 6 WITH OPHTHALMOPLEGIA. Identifiers: Orphanet 363677, Orphanet 79091, MedGen C1854106, MONDO:0011577, OMIM 605637.

Allele frequency attached by ClinVar (database versions not stated): gnomAD exomes below 0.00001.
gnomAD v4.1: 3 of 1,613,716 alleles (0.00019%); highest among the groups gnomAD compares: Non-Finnish European, 0.00025%; no homozygotes.

Submissions (2):

Labcorp Genetics (formerly Invitae), Labcorp
Classification: Uncertain significance for Myopathy, proximal, and ophthalmoplegia. Last evaluated: 2025-04-11. Review status: criteria provided, single submitter. Criteria: Invitae Variant Classification Sherloc (09022015). Collection method: clinical testing. Allele origin: germline.
Comment: This sequence change replaces glutamic acid, which is acidic and polar, with lysine, which is basic and polar, at codon 941 of the MYH2 protein (p.Glu941Lys). This variant is not present in population databases (gnomAD no frequency). This variant has not been reported in the literature in individuals affected with MYH2-related conditions. ClinVar contains an entry for this variant (Variation ID: 2498007). Invitae Evidence Modeling of protein sequence and biophysical properties (such as structural, functional, and spatial information, amino acid conservation, physicochemical variation, residue mobility, and thermodynamic stability) indicates that this missense variant is not expected to disrupt MYH2 protein function with a negative predictive value of 80%. In summary, the available evidence is currently insufficient to determine the role of this variant in disease. Therefore, it has been classified as a Variant of Uncertain Significance.

GeneDx
Classification: Uncertain significance. Last evaluated: 2022-09-21. Review status: criteria provided, single submitter. Criteria: GeneDx Variant Classification Process June 2021. Collection method: clinical testing. Allele origin: germline. Affected: yes.
Comment: Not observed at significant frequency in large population cohorts (gnomAD); In silico analysis supports that this missense variant has a deleterious effect on protein structure/function; Has not been previously published as pathogenic or benign to our knowledge

NM_017534.6(MYH2):c.2821G>A (p.Glu941Lys)

Genes: MYHAS (myosin heavy chain gene cluster antisense RNA; plus strand), MYH2 (myosin heavy chain 2; minus strand). Cytogenetic location: 17p13.1.
Variant type: single nucleotide variant.
Coding change: c.2821G>A on transcript NM_017534.6 (MANE Select); coding-DNA position 2821, G replaced by A.
Protein change: p.Glu941Lys; replaces glutamic acid 941 with lysine.
Molecular consequence: missense variant.
Genome position (GRCh38, 1-based): chr17:10,529,951, C>T on the plus strand (G>A on the coding strand, the complement: MYH2 is on the minus strand). VCF-style: chr17-10529951-C-T. GRCh37 (hg19) VCF-style: chr17-10433268-C-T.
Other names: c.2821G>A, p.Glu941Lys (NM_001100112.2); short protein forms E941K.
Identifiers: ClinVar variation 2498007 (VCV002498007.2), dbSNP rs2508433177, ClinGen allele CA398142257.
Genomic context (GRCh38, chr17:10,529,951, plus strand): 5'-CAATGTCTTTCTTGAGTTCTGAACATTCATCCTCCAGTTTCCTCTTCTTGGCTGTCAGCT[C>T]AGCATTGATCTCTTCCTCATCCTCAGCTCTCTCAGTCACCTCTTTGATTTTGGCTTCTAG-3'
Protein context (NP_060004.3, residues 931-951): RAEDEEEINA[Glu941Lys]LTAKKRKLED